The following is an entry in ClinVar:

NM_001282531.3(ADNP):c.2012A>G (p.Tyr671Cys)

Gene: ADNP (activity dependent neuroprotector homeobox; minus strand). Cytogenetic location: 20q13.13.
Variant type: single nucleotide variant.
Coding change: c.2012A>G on transcript NM_001282531.3 (MANE Select); coding-DNA position 2012, A replaced by G.
Protein change: p.Tyr671Cys; replaces tyrosine 671 with cysteine.
Molecular consequence: missense variant.
Genome position (GRCh38, 1-based): chr20:50,892,702, T>C on the plus strand (A>G on the coding strand, the complement: ADNP is on the minus strand). VCF-style: chr20-50892702-T-C. GRCh37 (hg19) VCF-style: chr20-49509239-T-C.
Other names: c.2012A>G, p.Tyr671Cys (NM_001282532.2, NM_001347511.2, NM_015339.5 and 1 more transcripts); short protein forms Y671C.
Identifiers: ClinVar variation 1310944 (VCV001310944.2), dbSNP rs2122748170, ClinGen allele CA408971518.
Genomic context (GRCh38, chr20:50,892,702, plus strand): 5'-CCAACGCCCCTGCAGTGAACTAGATGCAGAGTGATAGTTGAGGCGGTCATGTTGCTGGTA[T>C]ACACACCAAGGCAATGGATACATTTGTAGGTGAGCTTTTTCTCAACTGGATGAACCGTCT-3'
Protein context (NP_001269460.1, residues 661-681): TYKCIHCLGV[Tyr671Cys]TSNMTASTIT

ClinVar aggregate classification (germline): Uncertain significance (1 of 4 stars; one submission).

Submission:

GeneDx
Classification: Uncertain significance. Last evaluated: 2019-12-06. Review status: criteria provided, single submitter. Criteria: GeneDx Variant Classification Process June 2021. Collection method: clinical testing. Allele origin: germline. Affected: yes.
Comment: Not observed in large population cohorts (Lek et al., 2016); In silico analysis, which includes protein predictors and evolutionary conservation, supports a deleterious effect; Has not been previously published as pathogenic or benign to our knowledge